The following is an entry in ClinVar:

ClinVar aggregate classification (germline): Uncertain significance (1 of 4 stars; one submission).

gnomAD v4.1: 5 of 1,547,800 alleles (0.00032%); highest among the groups gnomAD compares: Admixed American, 0.0059%; no homozygotes.

Submission:

Dasa
Classification: Uncertain significance. Last evaluated: 2025-03-14. Review status: criteria provided, single submitter. Criteria: DASA Assertion Criteria. Collection method: clinical testing. Allele origin: germline.
Comment: NM_001199397.3(NEK1):c.1036G>C (p.Glu346Gln) is a missense variant that results in the substitution of glutamic acid with glutamine. This variant is rare in population databases. Computational prediction algorithms are consistent with a benign effect. The currently available literature and clinical evidence are not sufficient to establish a definitive association between this variant and the reported condition. Therefore, this variant is classified as a variant of uncertain significance.

NM_001199397.3(NEK1):c.1036G>C (p.Glu346Gln)

Gene: NEK1 (NIMA related kinase 1; minus strand). Cytogenetic location: 4q33.
Variant type: single nucleotide variant.
Coding change: c.1036G>C on transcript NM_001199397.3 (MANE Select); coding-DNA position 1036, G replaced by C.
Protein change: p.Glu346Gln; replaces glutamic acid 346 with glutamine.
Molecular consequence: missense variant. On other transcripts: non-coding transcript variant (2).
Genome position (GRCh38, 1-based): chr4:169,562,181, C>G on the plus strand (G>C on the coding strand, the complement: NEK1 is on the minus strand). VCF-style: chr4-169562181-C-G. GRCh37 (hg19) VCF-style: chr4-170483332-C-G.
Other names: c.1036G>C, p.Glu346Gln (NM_001199398.3, NM_001199399.3, NM_001199400.3 and 11 more transcripts); c.415G>C, p.Glu139Gln (NM_001440624.1, NM_001440625.1); short protein forms E139Q, E346Q.
Identifiers: ClinVar variation 4880970 (VCV004880970.2).